The following is an entry in ClinVar:

NM_052844.4(DYNC2I2):c.706G>A (p.Gly236Arg)

Genes: DYNC2I2 (dynein 2 intermediate chain 2; minus strand), LOC126860772 (CDK7 strongly-dependent group 2 enhancer GRCh37_chr9:131396972-131398171; plus strand). Cytogenetic location: 9q34.11.
Variant type: single nucleotide variant.
Coding change: c.706G>A on transcript NM_052844.4 (MANE Select); coding-DNA position 706, G replaced by A.
Protein change: p.Gly236Arg; replaces glycine 236 with arginine.
Molecular consequence: missense variant.
Genome position (GRCh38, 1-based): chr9:128,635,765, C>T on the plus strand (G>A on the coding strand, the complement: DYNC2I2 is on the minus strand). VCF-style: chr9-128635765-C-T. GRCh37 (hg19) VCF-style: chr9-131398044-C-T.
Other names: short protein forms G236R.
Identifiers: ClinVar variation 2100592 (VCV002100592.4), dbSNP rs1860397243, ClinGen allele CA375119215.

ClinVar aggregate classification (germline): Uncertain significance (1 of 4 stars; one submission).

Conditions:
Short-rib thoracic dysplasia 11 with or without polydactyly (SRTD11). Also called: SHORT-RIB THORACIC DYSPLASIA 11 WITHOUT POLYDACTYLY. Identifiers: Orphanet 474, Orphanet 93271, MedGen C3810200, MONDO:0014287, OMIM 615633.

Submission:

Labcorp Genetics (formerly Invitae), Labcorp
Classification: Uncertain significance for Short-rib thoracic dysplasia 11 with or without polydactyly. Last evaluated: 2022-10-14. Review status: criteria provided, single submitter. Criteria: Invitae Variant Classification Sherloc (09022015). Collection method: clinical testing. Allele origin: germline.
Comment: Algorithms developed to predict the effect of sequence changes on RNA splicing suggest that this variant may create or strengthen a splice site. In summary, the available evidence is currently insufficient to determine the role of this variant in disease. Therefore, it has been classified as a Variant of Uncertain Significance. Algorithms developed to predict the effect of missense changes on protein structure and function (SIFT, PolyPhen-2, Align-GVGD) all suggest that this variant is likely to be disruptive. This variant has not been reported in the literature in individuals affected with WDR34-related conditions. This variant is not present in population databases (gnomAD no frequency). This sequence change replaces glycine, which is neutral and non-polar, with arginine, which is basic and polar, at codon 236 of the WDR34 protein (p.Gly236Arg).